The following is an entry in ClinVar:

NM_201384.3(PLEC):c.5632C>T (p.Arg1878Trp)

Gene: PLEC (plectin; minus strand). Cytogenetic location: 8q24.3.
Variant type: single nucleotide variant.
Coding change: c.5632C>T on transcript NM_201384.3 (MANE Select); coding-DNA position 5632, C replaced by T.
Protein change: p.Arg1878Trp; replaces arginine 1878 with tryptophan.
Molecular consequence: missense variant.
Genome position (GRCh38, 1-based): chr8:143,924,297, G>A on the plus strand (C>T on the coding strand, the complement: PLEC is on the minus strand). VCF-style: chr8-143924297-G-A. GRCh37 (hg19) VCF-style: chr8-144998465-G-A.
Other names: p.Arg1905Trp; c.5713C>T, p.Arg1905Trp (NM_000445.5); c.5590C>T, p.Arg1864Trp (NM_201378.4); c.5566C>T, p.Arg1856Trp (NM_201379.3); c.6043C>T, p.Arg2015Trp (NM_201380.4); c.5536C>T, p.Arg1846Trp (NM_201381.3); c.5632C>T, p.Arg1878Trp (NM_201382.4); c.5644C>T, p.Arg1882Trp (NM_201383.3); short protein forms R1846W, R1856W, R1864W, R1878W, R1882W, R1905W, R2015W.
Identifiers: ClinVar variation 499604 (VCV000499604.38), dbSNP rs782312793, ClinGen allele CA4926290.

ClinVar aggregate classification (germline): Conflicting classifications of pathogenicity. Review status: criteria provided, conflicting classifications (1 of 4 stars). 7 submissions from 7 submitters: Uncertain significance (6); Likely benign (1). Last evaluated 2026-03-04.

Conditions:
Epidermolysis bullosa simplex 5C, with pyloric atresia (EBS5C). Also called: PLEC-Related Epidermolysis Bullosa with Pyloric Atresia; Epidermolysis bullosa simplex with pyloric atresia; PLEC1-Related Epidermolysis Bullosa with Pyloric Atresia. Identifiers: Orphanet 158684, MedGen C2677349, MONDO:0012807, OMIM 612138.
Epidermolysis bullosa simplex 5B, with muscular dystrophy (EBS5B). Also called: EPIDERMOLYSIS BULLOSA SIMPLEX AND LIMB-GIRDLE MUSCULAR DYSTROPHY; Epidermolysis bullosa simplex with muscular dystrophy. Identifiers: Orphanet 257, MedGen C2931072, MONDO:0009181, OMIM 226670.
Autosomal recessive limb-girdle muscular dystrophy type 2Q (LGMDR17). Also called: MUSCULAR DYSTROPHY, LIMB-GIRDLE, AUTOSOMAL RECESSIVE 17. Identifiers: Orphanet 254361, MedGen C3150989, MONDO:0013390, OMIM 613723.
Epidermolysis bullosa simplex with nail dystrophy (EBS5D). Identifiers: MedGen C4225309, MONDO:0014661, OMIM 616487.
Epidermolysis bullosa simplex, Ogna type (EBS5A). Also called: Pidermolysis bullosa simplex 5A, Ogna type; EPIDERMOLYSIS BULLOSA SIMPLEX 5A, OGNA TYPE. Identifiers: Orphanet 79401, MedGen C0432317, MONDO:0007555, OMIM 131950.
PLEC-related disorder. Also called: PLEC-related disorders; PLEC-related condition.

Allele frequency attached by ClinVar (database versions not stated): gnomAD 0.00021 and 0.00025; TOPMed 0.00025.
gnomAD v4.1: 230 of 1,594,258 alleles (0.014%); highest among the groups gnomAD compares: African/African-American, 0.055%; no homozygotes.

Submissions (7):

PreventionGenetics, part of Exact Sciences
Classification: Uncertain significance for PLEC-related condition. Last evaluated: 2026-03-04. Review status: criteria provided, single submitter. Criteria: ACMG Guidelines, 2015. Collection method: clinical testing. Allele origin: germline.
Comment: The PLEC c.5713C>T variant is predicted to result in the amino acid substitution p.Arg1905Trp. This variant has been observed in an individual with autosomal dominant dystrophic epidermolysis bullosa along with another PLEC variant (p.Cys420Trp) and a missense variant in COL7A1 (Table 4, Lucky et al. 2018. PubMed ID: 29334134). This variant is reported in 0.061% of alleles in individuals of African descent in gnomAD. Although we suspect that this variant may be benign, at this time, the clinical significance of this variant is uncertain due to the absence of conclusive functional and genetic evidence.

Labcorp Genetics (formerly Invitae), Labcorp
Classification: Uncertain significance for Autosomal recessive limb-girdle muscular dystrophy type 2Q; Epidermolysis bullosa simplex, Ogna type; Epidermolysis bullosa simplex with nail dystrophy; Epidermolysis bullosa simplex 5C, with pyloric atresia; Epidermolysis bullosa simplex 5B, with muscular dystrophy. Last evaluated: 2025-10-21. Review status: criteria provided, single submitter. Criteria: Invitae Variant Classification Sherloc (09022015). Collection method: clinical testing. Allele origin: germline.
Comment: This sequence change replaces arginine, which is basic and polar, with tryptophan, which is neutral and slightly polar, at codon 1905 of the PLEC protein (p.Arg1905Trp). This variant is present in population databases (rs782312793, gnomAD 0.06%). This missense change has been observed in individual(s) with PLEC-related conditions (PMID: 29334134). ClinVar contains an entry for this variant (Variation ID: 499604). Experimental studies and prediction algorithms are not available or were not evaluated, and the functional significance of this variant is currently unknown. In summary, the available evidence is currently insufficient to determine the role of this variant in disease. Therefore, it has been classified as a Variant of Uncertain Significance.

Revvity Omics, Revvity
Classification: Uncertain significance. Last evaluated: 2025-06-05. Review status: criteria provided, single submitter. Criteria: ACMG Guidelines, 2015. Collection method: clinical testing. Allele origin: germline.

CeGaT Center for Human Genetics Tuebingen
Classification: Uncertain significance. Last evaluated: 2024-06-01. Review status: criteria provided, single submitter. Criteria: CeGaT Center For Human Genetics Tuebingen Variant Classification Criteria Version 2. Collection method: clinical testing. Allele origin: germline. Affected: yes. Observed: 1 variant allele.

Mayo Clinic Laboratories, Mayo Clinic
Classification: Uncertain significance. Last evaluated: 2024-01-19. Review status: criteria provided, single submitter. Criteria: ACMG Guidelines, 2015. Collection method: clinical testing. Allele origin: germline. Observed: 2 variant alleles.

GeneDx
Classification: Likely benign. Last evaluated: 2021-06-15. Review status: criteria provided, single submitter. Criteria: GeneDx Variant Classification Process June 2021. Collection method: clinical testing. Allele origin: germline. Affected: yes.
Comment: This variant is associated with the following publications: (PMID: 29334134)

Eurofins Ntd Llc (ga)
Classification: Uncertain significance. Last evaluated: 2017-08-22. Review status: criteria provided, single submitter. Criteria: EGL Classification Definitions 2015. Collection method: clinical testing. Allele origin: germline. Observed: 2 variant alleles, 2 heterozygotes.

Literature cited by the submitters: PubMed 29334134 (cited by Labcorp Genetics (formerly Invitae), Labcorp and Mayo Clinic Laboratories, Mayo Clinic).